The following is an entry in ClinVar:

NM_032447.5(FBN3):c.557C>G (p.Pro186Arg)

Gene: FBN3 (fibrillin 3; minus strand). Cytogenetic location: 19p13.2.
Variant type: single nucleotide variant.
Coding change: c.557C>G on transcript NM_032447.5 (MANE Select); coding-DNA position 557, C replaced by G.
Protein change: p.Pro186Arg; replaces proline 186 with arginine.
Molecular consequence: missense variant.
Genome position (GRCh38, 1-based): chr19:8,142,122, G>C on the plus strand (C>G on the coding strand, the complement: FBN3 is on the minus strand). VCF-style: chr19-8142122-G-C. GRCh37 (hg19) VCF-style: chr19-8207006-G-C.
Other names: c.557C>G (NM_032447.3); c.557C>G, p.Pro186Arg (NM_001321431.2); short protein forms P186R.
Identifiers: ClinVar variation 2964898 (VCV002964898.4), dbSNP rs540172846, ClinGen allele CA9153665.

ClinVar aggregate classification (germline): Uncertain significance. Review status: criteria provided, multiple submitters, no conflicts (2 of 4 stars). 2 submissions from 2 submitters: Uncertain significance (2). Last evaluated 2024-11-19.

Allele frequency attached by ClinVar (database versions not stated): ExAC 0.00007; 1000 Genomes Project 0.00020; 1000 Genomes Project 30x 0.00031.
gnomAD v4.1: 32 of 1,609,736 alleles (0.002%); highest among the groups gnomAD compares: Admixed American, 0.05%; 1 homozygote.

Submissions (2):

Labcorp Genetics (formerly Invitae), Labcorp
Classification: Uncertain significance. Last evaluated: 2024-11-19. Review status: criteria provided, single submitter. Criteria: Invitae Variant Classification Sherloc (09022015). Collection method: clinical testing. Allele origin: germline.
Comment: This sequence change replaces proline, which is neutral and non-polar, with arginine, which is basic and polar, at codon 186 of the FBN3 protein (p.Pro186Arg). This variant is present in population databases (rs540172846, gnomAD 0.07%), and has an allele count higher than expected for a pathogenic variant. This variant has not been reported in the literature in individuals affected with FBN3-related conditions. ClinVar contains an entry for this variant (Variation ID: 2964898). An algorithm developed to predict the effect of missense changes on protein structure and function (PolyPhen-2) suggests that this variant is likely to be disruptive. In summary, the available evidence is currently insufficient to determine the role of this variant in disease. Therefore, it has been classified as a Variant of Uncertain Significance.

Ambry Genetics
Classification: Uncertain significance. Last evaluated: 2023-11-28. Review status: criteria provided, single submitter. Criteria: Ambry Variant Classification Scheme 2023. Collection method: clinical testing. Allele origin: germline.